The following is an entry in ClinVar:

ClinVar aggregate classification (germline): Likely benign. Review status: criteria provided, multiple submitters, no conflicts (2 of 4 stars). 3 submissions from 3 submitters: Likely benign (3). Last evaluated 2025-12-01.

Allele frequency attached by ClinVar (database versions not stated): gnomAD 0.00003.
gnomAD v4.1: 45 of 1,520,308 alleles (0.003%); highest among the groups gnomAD compares: Non-Finnish European, 0.0037%; no homozygotes.

Submissions (3):

Labcorp Genetics (formerly Invitae), Labcorp
Classification: Likely benign. Last evaluated: 2025-12-01. Review status: criteria provided, single submitter. Criteria: Invitae Variant Classification Sherloc (09022015). Collection method: clinical testing. Allele origin: germline.

Mayo Clinic Laboratories, Mayo Clinic
Classification: Likely benign. Last evaluated: 2025-02-17. Review status: criteria provided, single submitter. Criteria: ACMG Guidelines, 2015. Collection method: clinical testing. Allele origin: germline. Observed: 1 variant allele.
Comment: BP4, BP7

Blueprint Genetics
Classification: Likely benign. Last evaluated: 2024-05-28. Review status: criteria provided, single submitter. Criteria: ACMG Guidelines, 2015. Collection method: clinical testing. Allele origin: germline.

NM_001367624.2(ZNF469):c.9531C>T (p.Cys3177=)

Gene: ZNF469 (zinc finger protein 469; plus strand). Cytogenetic location: 16q24.2.
Variant type: single nucleotide variant.
Coding change: c.9531C>T on transcript NM_001367624.2 (MANE Select); coding-DNA position 9531, C replaced by T.
Protein change: p.Cys3177=; no amino-acid change (cysteine 3177 retained).
Molecular consequence: synonymous variant.
Genome position (GRCh38, 1-based): chr16:88,437,001, C>T. VCF-style: chr16-88437001-C-T. GRCh37 (hg19) VCF-style: chr16-88503409-C-T.
Other names: p.Cys3177=.
Identifiers: ClinVar variation 2919548 (VCV002919548.5), dbSNP rs775797987, ClinGen allele CA8225436.